The following is an entry in ClinVar:

NM_001033057.2(MAGI1):c.761A>T (p.Asp254Val)

Gene: MAGI1 (membrane associated guanylate kinase, WW and PDZ domain containing 1; minus strand). Cytogenetic location: 3p14.1.
Variant type: single nucleotide variant.
Coding change: c.761A>T on transcript NM_001033057.2 (MANE Select); coding-DNA position 761, A replaced by T.
Protein change: p.Asp254Val; replaces aspartic acid 254 with valine.
Molecular consequence: missense variant.
Genome position (GRCh38, 1-based): chr3:65,470,481, T>A on the plus strand (A>T on the coding strand, the complement: MAGI1 is on the minus strand). VCF-style: chr3-65470481-T-A. GRCh37 (hg19) VCF-style: chr3-65456156-T-A.
Other names: c.764A>T, p.Asp255Val (NM_001365903.2, NM_001365904.2, NM_001365905.1); c.761A>T, p.Asp254Val (NM_004742.3, NM_015520.2); short protein forms D254V, D255V.
Identifiers: ClinVar variation 2653954 (VCV002653954.24), dbSNP rs62255275, ClinGen allele CA2483219.

ClinVar aggregate classification (germline): Likely benign (1 of 4 stars; one submission).

Allele frequency attached by ClinVar (database versions not stated): 1000 Genomes Project 0.00120; 1000 Genomes Project 30x 0.00125; TOPMed 0.00407; gnomAD 0.00419; ExAC 0.00561; gnomAD exomes 0.00670.
gnomAD v4.1: 10,283 of 1,607,588 alleles (0.64%); highest among the groups gnomAD compares: Non-Finnish European, 0.79%; 62 homozygotes.

Submission:

CeGaT Center for Human Genetics Tuebingen
Classification: Likely benign. Last evaluated: 2023-03-01. Review status: criteria provided, single submitter. Criteria: CeGaT Center For Human Genetics Tuebingen Variant Classification Criteria Version 2. Collection method: clinical testing. Allele origin: germline. Affected: yes. Observed: 1 variant allele.
Comment: MAGI1: BP4, BS2